The following is an entry in ClinVar:

ClinVar aggregate classification (germline): Likely benign. Review status: criteria provided, single submitter (1 of 4 stars). 2 submissions from 2 submitters: Likely benign (1). 1 of the submissions does not count toward it. Last evaluated 2024-10-23.

Conditions:
MYRF-related disorder. Also called: MYRF-related condition; MYRF-related disorders.

gnomAD v4.1: 303 of 1,614,130 alleles (0.019%); highest among the groups gnomAD compares: South Asian, 0.3%; 3 homozygotes.

Submissions (2):

Blueprint Genetics
Classification: Likely benign. Last evaluated: 2024-10-23. Review status: criteria provided, single submitter. Criteria: ACMG Guidelines, 2015. Collection method: clinical testing. Allele origin: germline.

PreventionGenetics, part of Exact Sciences
Classification: Likely benign for MYRF-related condition. Last evaluated: 2024-09-27. Review status: no assertion criteria provided. Collection method: clinical testing. Allele origin: germline. Not counted in ClinVar's aggregate classification.
Comment: This variant is classified as likely benign based on ACMG/AMP sequence variant interpretation guidelines (Richards et al. 2015 PMID: 25741868, with internal and published modifications).

NM_001127392.3(MYRF):c.3322A>G (p.Ile1108Val)

Gene: MYRF (myelin regulatory factor; plus strand). Cytogenetic location: 11q12.2.
Variant type: single nucleotide variant.
Coding change: c.3322A>G on transcript NM_001127392.3 (MANE Select); coding-DNA position 3322, A replaced by G.
Protein change: p.Ile1108Val; replaces isoleucine 1108 with valine.
Molecular consequence: missense variant.
Genome position (GRCh38, 1-based): chr11:61,785,821, A>G. VCF-style: chr11-61785821-A-G. GRCh37 (hg19) VCF-style: chr11-61553293-A-G.
Other names: c.3202A>G, p.Ile1068Val (NM_013279.4); short protein forms I1068V, I1108V.
Identifiers: ClinVar variation 3352998 (VCV003352998.2).